The following is an entry in ClinVar:

NM_000156.6(GAMT):c.305G>A (p.Trp102Ter)

Gene: GAMT (guanidinoacetate N-methyltransferase; minus strand). Cytogenetic location: 19p13.3.
Variant type: single nucleotide variant.
Coding change: c.305G>A on transcript NM_000156.6 (MANE Select); coding-DNA position 305, G replaced by A.
Protein change: p.Trp102Ter; replaces tryptophan 102 with a stop codon.
Molecular consequence: nonsense.
Genome position (GRCh38, 1-based): chr19:1,399,815, C>T on the plus strand (G>A on the coding strand, the complement: GAMT is on the minus strand). VCF-style: chr19-1399815-C-T. GRCh37 (hg19) VCF-style: chr19-1399814-C-T.
Other names: c.305G>A, p.Trp102Ter (NM_138924.3); short protein forms W102*.
Identifiers: ClinVar variation 1374093 (VCV001374093.6), dbSNP rs2144638122, ClinGen allele CA402996212.

ClinVar aggregate classification (germline): Pathogenic (1 of 4 stars; one submission).

Conditions:
Cerebral creatine deficiency syndrome. Also called: Creatine deficiency syndromes. Identifiers: Orphanet 79172, MedGen C5244016, MONDO:0000456.

Submission:

Labcorp Genetics (formerly Invitae), Labcorp
Classification: Pathogenic for Cerebral creatine deficiency syndrome. Last evaluated: 2022-03-22. Review status: criteria provided, single submitter. Criteria: Invitae Variant Classification Sherloc (09022015). Collection method: clinical testing. Allele origin: germline.
Comment: This variant is not present in population databases (gnomAD no frequency). For these reasons, this variant has been classified as Pathogenic. Algorithms developed to predict the effect of sequence changes on RNA splicing suggest that this variant may create or strengthen a splice site. This variant has not been reported in the literature in individuals affected with GAMT-related conditions. This sequence change creates a premature translational stop signal (p.Trp102*) in the GAMT gene. It is expected to result in an absent or disrupted protein product. Loss-of-function variants in GAMT are known to be pathogenic (PMID: 15108290).

Literature cited by the submitters: PubMed 15108290.